The following is an entry in ClinVar:

NM_001256545.2(MEGF10):c.1840+1G>A

Gene: MEGF10 (multiple EGF like domains 10; plus strand). Cytogenetic location: 5q23.2.
Variant type: single nucleotide variant.
Coding change: c.1840+1G>A on transcript NM_001256545.2 (MANE Select); the canonical splice donor site of the intron after coding-DNA position 1840, G replaced by A.
Molecular consequence: splice donor variant.
Genome position (GRCh38, 1-based): chr5:127,433,510, G>A. VCF-style: chr5-127433510-G-A. GRCh37 (hg19) VCF-style: chr5-126769202-G-A.
Other names: c.1840+1G>A (NM_032446.3).
Identifiers: ClinVar variation 3767212 (VCV003767212.1).

ClinVar aggregate classification (germline): Likely pathogenic (1 of 4 stars; one submission).

Conditions:
Congenital myopathy 10b, mild variant. Also called: Myopathy, areflexia, respiratory distress, and dysphagia, early-onset, mild variant. Identifiers: MedGen C3541476, MONDO:0859515, OMIM 620249.

Submission:

Service de Génétique Médicale, Centre Hospitalier Universitaire de Nice-Université Côte d'Azur
Classification: Likely pathogenic for Congenital myopathy 10b, mild variant. Last evaluated: 2024-02-27. Review status: criteria provided, single submitter. Criteria: ACMG Guidelines, 2015. Collection method: clinical testing. Allele origin: germline. Affected: yes.

Literature cited by the submitters: PubMed 38703036.